The following is an entry in ClinVar:

NM_001018115.3(FANCD2):c.4038+2T>G

Genes: FANCD2 (FA complementation group D2; plus strand), FANCD2OS (FANCD2 opposite strand; minus strand). Cytogenetic location: 3p25.3.
Variant type: single nucleotide variant.
Coding change: c.4038+2T>G on transcript NM_001018115.3 (MANE Select); the canonical splice donor site of the intron after coding-DNA position 4038, T replaced by G.
Molecular consequence: splice donor variant. On other transcripts: intron variant (1).
Genome position (GRCh38, 1-based): chr3:10,095,276, T>G. VCF-style: chr3-10095276-T-G. GRCh37 (hg19) VCF-style: chr3-10136960-T-G.
Other names: c.4038+2T>G (NM_001319984.2, NM_033084.6); c.3927+2T>G (NM_001374253.1); c.3999+2T>G (NM_001374254.1); c.*43+8922A>C (NM_173472.2).
Identifiers: ClinVar variation 2911000 (VCV002911000.3), dbSNP rs2470081305, ClinGen allele CA351757446.

ClinVar aggregate classification (germline): Likely pathogenic (1 of 4 stars; one submission).

Conditions:
Fanconi anemia (FA). Also called: Fanconi's anemia. Identifiers: Orphanet 84, MedGen C0015625, MeSH D005199, MONDO:0019391.

Submission:

Labcorp Genetics (formerly Invitae), Labcorp
Classification: Likely pathogenic for Fanconi anemia. Last evaluated: 2023-11-19. Review status: criteria provided, single submitter. Criteria: Invitae Variant Classification Sherloc (09022015). Collection method: clinical testing. Allele origin: germline.
Comment: This sequence change affects a donor splice site in intron 41 of the FANCD2 gene. It is expected to disrupt RNA splicing. Variants that disrupt the donor or acceptor splice site typically lead to a loss of protein function (PMID: 16199547), and loss-of-function variants in FANCD2 are known to be pathogenic (PMID: 17436244). This variant is not present in population databases (gnomAD no frequency). This variant has not been reported in the literature in individuals affected with FANCD2-related conditions. Algorithms developed to predict the effect of sequence changes on RNA splicing suggest that this variant may disrupt the consensus splice site. In summary, the currently available evidence indicates that the variant is pathogenic, but additional data are needed to prove that conclusively. Therefore, this variant has been classified as Likely Pathogenic.

Literature cited by the submitters: PubMed 16199547; PubMed 17436244.